The following is an entry in ClinVar:

NM_001377530.1(DMBT1):c.3418C>G (p.Arg1140Gly)

Gene: DMBT1 (deleted in malignant brain tumors 1; plus strand). Cytogenetic location: 10q26.13.
Variant type: single nucleotide variant.
Coding change: c.3418C>G on transcript NM_001377530.1 (MANE Select); coding-DNA position 3418, C replaced by G.
Protein change: p.Arg1140Gly; replaces arginine 1140 with glycine.
Molecular consequence: missense variant.
Genome position (GRCh38, 1-based): chr10:122,601,871, C>G. VCF-style: chr10-122601871-C-G. GRCh37 (hg19) VCF-style: chr10-124361387-C-G.
Other names: c.3418C>G, p.Arg1140Gly (NM_001320644.2, NM_007329.3); c.1921C>G, p.Arg641Gly (NM_004406.3); c.3388C>G, p.Arg1130Gly (NM_017579.3); short protein forms R1130G, R1140G, R641G.
Identifiers: ClinVar variation 2640936 (VCV002640936.24), dbSNP rs1014556750, ClinGen allele CA215129412.

ClinVar aggregate classification (germline): Likely benign (1 of 4 stars; one submission).

Submission:

CeGaT Center for Human Genetics Tuebingen
Classification: Likely benign. Last evaluated: 2023-04-01. Review status: criteria provided, single submitter. Criteria: CeGaT Center For Human Genetics Tuebingen Variant Classification Criteria Version 2. Collection method: clinical testing. Allele origin: germline. Affected: yes. Observed: 2 variant alleles.
Comment: DMBT1: PP2, BS2